The following is an entry in ClinVar:

NM_000051.4(ATM):c.8407A>G (p.Lys2803Glu)

Genes: ATM (ATM serine/threonine kinase; plus strand), C11orf65 (chromosome 11 open reading frame 65; minus strand). Cytogenetic location: 11q22.3.
Variant type: single nucleotide variant.
Coding change: c.8407A>G on transcript NM_000051.4 (MANE Select); coding-DNA position 8407, A replaced by G.
Protein change: p.Lys2803Glu; replaces lysine 2803 with glutamic acid.
Molecular consequence: missense variant. On other transcripts: intron variant (2).
Genome position (GRCh38, 1-based): chr11:108,343,360, A>G. VCF-style: chr11-108343360-A-G. GRCh37 (hg19) VCF-style: chr11-108214087-A-G.
Other names: c.8407A>G, p.Lys2803Glu (NM_001351834.2); c.641-34289T>C (NM_001330368.2); c.695-8068T>C (NM_001351110.2); short protein forms K2803E.
Identifiers: ClinVar variation 4825528 (VCV004825528.1).

ClinVar aggregate classification (germline): Uncertain significance (1 of 4 stars; one submission).

Conditions:
Hereditary cancer-predisposing syndrome. Also called: Tumor predisposition; Hereditary neoplastic syndrome; Hereditary Cancer Syndrome; Neoplastic Syndromes, Hereditary. Identifiers: Orphanet 140162, MedGen C0027672, MeSH D009386, MONDO:0015356.

Submission:

Ambry Genetics
Classification: Uncertain significance for Hereditary cancer-predisposing syndrome. Last evaluated: 2026-02-15. Review status: criteria provided, single submitter. Criteria: Ambry Variant Classification Scheme 2023. Collection method: clinical testing. Allele origin: germline.
Comment: The p.K2803E variant (also known as c.8407A>G), located in coding exon 56 of the ATM gene, results from an A to G substitution at nucleotide position 8407. The lysine at codon 2803 is replaced by glutamic acid, an amino acid with similar properties. This amino acid position is conserved. In addition, this alteration is predicted to be tolerated by in silico analysis. Based on the available evidence, the clinical significance of this variant remains unclear.